The following is an entry in ClinVar:

NM_001122630.2(CDKN1C):c.767T>C (p.Leu256Pro)

Gene: CDKN1C (cyclin dependent kinase inhibitor 1C; minus strand). Cytogenetic location: 11p15.4.
Variant type: single nucleotide variant.
Coding change: c.767T>C on transcript NM_001122630.2 (MANE Select); coding-DNA position 767, T replaced by C.
Protein change: p.Leu256Pro; replaces leucine 256 with proline.
Molecular consequence: missense variant. On other transcripts: intron variant (1).
Genome position (GRCh38, 1-based): chr11:2,884,690, A>G on the plus strand (T>C on the coding strand, the complement: CDKN1C is on the minus strand). VCF-style: chr11-2884690-A-G. GRCh37 (hg19) VCF-style: chr11-2905920-A-G.
Other names: c.800T>C, p.Leu267Pro (NM_000076.2, NM_001362474.2); c.767T>C, p.Leu256Pro (NM_001122631.2); c.255+512T>C (NM_001362475.2); short protein forms L267P, L256P.
Identifiers: ClinVar variation 1417641 (VCV001417641.8), dbSNP rs1254038235, ClinGen allele CA379145552.

ClinVar aggregate classification (germline): Uncertain significance (1 of 4 stars; one submission).

Conditions:
Beckwith-Wiedemann syndrome (BWS). Also called: Exomphalos macroglossia gigantism syndrome; EMG SYNDROME. Identifiers: Orphanet 116, MedGen C0004903, MONDO:0007534, OMIM 130650.

Allele frequency attached by ClinVar (database versions not stated): gnomAD exomes below 0.00001; gnomAD 0.00001; TOPMed 0.00001.
gnomAD v4.1: 5 of 1,471,148 alleles (0.00034%); highest among the groups gnomAD compares: Admixed American, 0.0022%; no homozygotes.

Submission:

Labcorp Genetics (formerly Invitae), Labcorp
Classification: Uncertain significance for Beckwith-Wiedemann syndrome. Last evaluated: 2023-09-18. Review status: criteria provided, single submitter. Criteria: Invitae Variant Classification Sherloc (09022015). Collection method: clinical testing. Allele origin: germline.
Comment: This sequence change replaces leucine, which is neutral and non-polar, with proline, which is neutral and non-polar, at codon 267 of the CDKN1C protein (p.Leu267Pro). This variant is not present in population databases (gnomAD no frequency). This variant has not been reported in the literature in individuals affected with CDKN1C-related conditions. ClinVar contains an entry for this variant (Variation ID: 1417641). Advanced modeling of protein sequence and biophysical properties (such as structural, functional, and spatial information, amino acid conservation, physicochemical variation, residue mobility, and thermodynamic stability) performed at Invitae indicates that this missense variant is not expected to disrupt CDKN1C protein function. In summary, the available evidence is currently insufficient to determine the role of this variant in disease. Therefore, it has been classified as a Variant of Uncertain Significance.